The following is an entry in ClinVar:

NM_002203.4(ITGA2):c.2429A>G (p.Gln810Arg)

Gene: ITGA2 (integrin subunit alpha 2; plus strand). Cytogenetic location: 5q11.2.
Variant type: single nucleotide variant.
Coding change: c.2429A>G on transcript NM_002203.4 (MANE Select); coding-DNA position 2429, A replaced by G.
Protein change: p.Gln810Arg; replaces glutamine 810 with arginine.
Molecular consequence: missense variant. On other transcripts: non-coding transcript variant (5).
Genome position (GRCh38, 1-based): chr5:53,072,695, A>G. VCF-style: chr5-53072695-A-G. GRCh37 (hg19) VCF-style: chr5-52368525-A-G.
Other names: short protein forms Q810R.
Identifiers: ClinVar variation 353765 (VCV000353765.5), dbSNP rs191616009, ClinGen allele CA3263172.

ClinVar aggregate classification (germline): Benign (1 of 4 stars; one submission).

Conditions:
Platelet-type bleeding disorder 9 (BDPLT9). Also called: GLYCOPROTEIN Ia DEFICIENCY; GP Ia DEFICIENCY; COLLAGEN PLATELET RECEPTOR DEFICIENCY. Identifiers: Orphanet 73271, Orphanet 98886, MedGen C3280114, MONDO:0013622, OMIM 614200.

Allele frequency attached by ClinVar (database versions not stated): gnomAD 0.00009 and 0.00013; gnomAD exomes 0.00012 and 0.00037; TOPMed 0.00022; 1000 Genomes Project 30x 0.00031; ExAC 0.00039; 1000 Genomes Project 0.00040.
gnomAD v4.1: 199 of 1,605,668 alleles (0.012%); highest among the groups gnomAD compares: East Asian, 0.3%; no homozygotes.

Submission:

Illumina Laboratory Services, Illumina
Classification: Benign for Platelet-type bleeding disorder 9. Last evaluated: 2018-01-13. Review status: criteria provided, single submitter. Criteria: ICSL Variant Classification Criteria 13 December 2019. Collection method: clinical testing. Allele origin: germline.
Comment: This variant was observed in the ICSL laboratory as part of a predisposition screen in an ostensibly healthy population. It had not been previously curated by ICSL or reported in the Human Gene Mutation Database (HGMD: prior to June 1st, 2018), and was therefore a candidate for classification through an automated scoring system. Utilizing variant allele frequency, disease prevalence and penetrance estimates, and inheritance mode, an automated score was calculated to assess if this variant is too frequent to cause the disease. Based on the score and internal cut-off values, a variant classified as benign is not then subjected to further curation. The score for this variant resulted in a classification of benign for this disease.